The following is an entry in ClinVar:

NM_001077350.3(NPRL3):c.177C>A (p.Asp59Glu)

Genes: HBA-LCR (alpha-globin locus control region; plus strand), NPRL3 (NPR3 like, GATOR1 complex subunit; minus strand). Cytogenetic location: 16p13.3.
Variant type: single nucleotide variant.
Coding change: c.177C>A on transcript NM_001077350.3 (MANE Select); coding-DNA position 177, C replaced by A.
Protein change: p.Asp59Glu; replaces aspartic acid 59 with glutamic acid.
Molecular consequence: missense variant. On other transcripts: 5 prime UTR variant (2).
Genome position (GRCh38, 1-based): chr16:130,533, G>T on the plus strand (C>A on the coding strand, the complement: NPRL3 is on the minus strand). VCF-style: chr16-130533-G-T. GRCh37 (hg19) VCF-style: chr16-180532-G-T.
Other names: c.-156C>A (NM_001039476.3); c.-195C>A (NM_001243247.2); c.177C>A, p.Asp59Glu (NM_001243248.2, NM_001243249.2); short protein forms D59E.
Identifiers: ClinVar variation 577881 (VCV000577881.9), dbSNP rs1048069050, ClinGen allele CA393997717.

ClinVar aggregate classification (germline): Uncertain significance (1 of 4 stars; one submission).

Conditions:
Epilepsy, familial focal, with variable foci 3 (FFEVF3). Identifiers: MedGen C4310708, MONDO:0014925, OMIM 617118.

gnomAD v4.1: 6 of 1,552,618 alleles (0.00039%); no homozygotes.

Submission:

Labcorp Genetics (formerly Invitae), Labcorp
Classification: Uncertain significance for Epilepsy, familial focal, with variable foci 3. Last evaluated: 2023-12-12. Review status: criteria provided, single submitter. Criteria: Invitae Variant Classification Sherloc (09022015). Collection method: clinical testing. Allele origin: germline.
Comment: This sequence change replaces aspartic acid, which is acidic and polar, with glutamic acid, which is acidic and polar, at codon 59 of the NPRL3 protein (p.Asp59Glu). This variant is not present in population databases (gnomAD no frequency). This variant has not been reported in the literature in individuals affected with NPRL3-related conditions. ClinVar contains an entry for this variant (Variation ID: 577881). Advanced modeling of protein sequence and biophysical properties (such as structural, functional, and spatial information, amino acid conservation, physicochemical variation, residue mobility, and thermodynamic stability) performed at Invitae indicates that this missense variant is not expected to disrupt NPRL3 protein function with a negative predictive value of 80%. In summary, the available evidence is currently insufficient to determine the role of this variant in disease. Therefore, it has been classified as a Variant of Uncertain Significance.